The following is an entry in ClinVar:

NM_144997.7(FLCN):c.273del (p.His92fs)

Gene: FLCN (folliculin; minus strand). Cytogenetic location: 17p11.2.
Variant type: Deletion.
Coding change: c.273del on transcript NM_144997.7 (MANE Select); coding-DNA position 273, one base deleted (G; older notation c.273delG).
Protein change: p.His92fs; shifts the reading frame from histidine 92.
Molecular consequence: frameshift variant.
Genome position (GRCh38, 1-based): chr17:17,226,299, C deleted on the plus strand (G on the coding strand, the reverse complement: FLCN is on the minus strand); the first of 3 consecutive C bases (chr17:17,226,299-17,226,301); deleting any one gives the same sequence. VCF-style (leftmost placement, unchanged base first): chr17-17226298-GC-G. GRCh37 (hg19) VCF-style: chr17-17129612-GC-G.
Other names: c.273del, p.His92fs (NM_001353229.2, NM_001353230.2, NM_001353231.2 and 1 more transcripts); short protein forms H92fs.
Identifiers: ClinVar variation 838883 (VCV000838883.7), dbSNP rs2047248214, ClinGen allele CA916081876.

ClinVar aggregate classification (germline): Pathogenic (1 of 4 stars; one submission).

Conditions:
Birt-Hogg-Dube syndrome. Also called: Birt Hogg Dubé syndrome. Identifiers: Orphanet 122, MedGen C0346010, MONDO:0800444.

Submission:

Labcorp Genetics (formerly Invitae), Labcorp
Classification: Pathogenic for Birt-Hogg-Dube syndrome. Last evaluated: 2023-02-26. Review status: criteria provided, single submitter. Criteria: Invitae Variant Classification Sherloc (09022015). Collection method: clinical testing. Allele origin: germline.
Comment: This variant has not been reported in the literature in individuals affected with FLCN-related conditions. This variant is not present in population databases (gnomAD no frequency). This sequence change creates a premature translational stop signal (p.His92Thrfs*38) in the FLCN gene. It is expected to result in an absent or disrupted protein product. Loss-of-function variants in FLCN are known to be pathogenic (PMID: 15852235). ClinVar contains an entry for this variant (Variation ID: 838883). For these reasons, this variant has been classified as Pathogenic.

Literature cited by the submitters: PubMed 15852235.